The following is an entry in ClinVar:

ClinVar aggregate classification (germline): Conflicting classifications of pathogenicity. Review status: criteria provided, conflicting classifications (1 of 4 stars). 4 submissions from 4 submitters: Uncertain significance (1); Benign (1); Likely benign (2). Last evaluated 2026-01-13.

Conditions:
Hereditary cancer-predisposing syndrome. Also called: Tumor predisposition; Neoplastic Syndromes, Hereditary; Hereditary Cancer Syndrome; Hereditary neoplastic syndrome. Identifiers: Orphanet 140162, MedGen C0027672, MeSH D009386, MONDO:0015356.
Oligodontia-cancer predisposition syndrome. Also called: TOOTH AGENESIS-COLORECTAL CANCER SYNDROME. Identifiers: Orphanet 300576, MedGen C1837750, MONDO:0012075, OMIM 608615. Disease mechanism: loss of function.

Allele frequency attached by ClinVar (database versions not stated): gnomAD exomes below 0.00001 and 0.00001; gnomAD 0.00001; TOPMed 0.00001.

Submissions (4):

Labcorp Genetics (formerly Invitae), Labcorp
Classification: Likely benign for Oligodontia-cancer predisposition syndrome. Last evaluated: 2026-01-13. Review status: criteria provided, single submitter. Criteria: Invitae Variant Classification Sherloc (09022015). Collection method: clinical testing. Allele origin: germline.

Myriad Genetics, Inc.
Classification: Benign for Oligodontia-cancer predisposition syndrome. Last evaluated: 2024-07-03. Review status: criteria provided, single submitter. Criteria: Myriad Autosomal Dominant, Autosomal Recessive and X-Linked Classification Criteria (2023). Collection method: clinical testing. Allele origin: unknown.
Comment: This variant is considered benign. This variant is a silent/synonymous amino acid change and it is not expected to impact splicing.

Ambry Genetics
Classification: Likely benign for Hereditary cancer-predisposing syndrome. Last evaluated: 2022-04-29. Review status: criteria provided, single submitter. Criteria: Ambry Variant Classification Scheme 2023. Collection method: clinical testing. Allele origin: germline.

Sema4
Classification: Uncertain significance for Hereditary cancer-predisposing syndrome. Last evaluated: 2021-06-15. Review status: criteria provided, single submitter. Criteria: Sema4 Curation Guidelines. Collection method: curation. Allele origin: germline.
Comment: The AXIN2 c.1494C>T (p.P498=) variant has not been reported in the literature to our knowledge. It was observed in 1/19854 chromosomes in the East Asian subpopulation in the large and broad cohorts of the Genome Aggregation Database (PMID: 32461654). This variant has been reported in ClinVar (Variation ID:762340). In silico tools suggest the variant may potentially have an impact on splicing, though these predictions have not been confirmed by functional studies. The evidence is insufficient to meet ACMG/AMP criteria for classifying the variant as benign or pathogenic. Thus, the clinical significance of this variant is currently uncertain.

NM_004655.4(AXIN2):c.1494C>T (p.Pro498=)

Gene: AXIN2 (axin 2; minus strand). Cytogenetic location: 17q24.1.
Variant type: single nucleotide variant.
Coding change: c.1494C>T on transcript NM_004655.4 (MANE Select); coding-DNA position 1494, C replaced by T.
Protein change: p.Pro498=; no amino-acid change (proline 498 retained).
Molecular consequence: synonymous variant.
Genome position (GRCh38, 1-based): chr17:65,537,542, G>A on the plus strand (C>T on the coding strand, the complement: AXIN2 is on the minus strand). VCF-style: chr17-65537542-G-A. GRCh37 (hg19) VCF-style: chr17-63533660-G-A.
Other names: c.1494C>T, p.Pro498= (NM_001363813.1).
Identifiers: ClinVar variation 762340 (VCV000762340.14), dbSNP rs1353761854, ClinGen allele CA501691536.